The following is an entry in ClinVar:

ClinVar aggregate classification (germline): Benign/Likely benign. Review status: criteria provided, multiple submitters, no conflicts (2 of 4 stars). 4 submissions from 4 submitters: Benign (1); Likely benign (3). Last evaluated 2025-07-20.

Conditions:
Tuberous sclerosis syndrome (TSC). Also called: Tuberous Sclerosis Complex; Tuberous sclerosis. Identifiers: Orphanet 805, MedGen C0041341, MONDO:0001734.
Hereditary cancer-predisposing syndrome. Also called: Hereditary Cancer Syndrome; Hereditary neoplastic syndrome; Neoplastic Syndromes, Hereditary; Tumor predisposition. Identifiers: Orphanet 140162, MedGen C0027672, MeSH D009386, MONDO:0015356.
Tuberous sclerosis 1 (TSC1). Identifiers: Orphanet 805, MedGen C1854465, MONDO:0008612, OMIM 191100.

Allele frequency attached by ClinVar (database versions not stated): TOPMed below 0.00001; gnomAD exomes 0.00001 and 0.00002; ExAC 0.00002.

Submissions (4):

Color Diagnostics, LLC DBA Color Health
Classification: Likely benign for Tuberous sclerosis syndrome. Last evaluated: 2025-07-20. Review status: criteria provided, single submitter. Criteria: ACMG Guidelines, 2015. Collection method: clinical testing. Allele origin: germline.

Myriad Genetics, Inc.
Classification: Benign for Tuberous sclerosis 1. Last evaluated: 2025-04-10. Review status: criteria provided, single submitter. Criteria: Myriad Autosomal Dominant, Autosomal Recessive and X-Linked Classification Criteria (2023). Collection method: clinical testing. Allele origin: unknown.
Comment: This variant is considered benign. This variant is a silent/synonymous amino acid change and it is not expected to impact splicing.

Labcorp Genetics (formerly Invitae), Labcorp
Classification: Likely benign for Tuberous sclerosis 1. Last evaluated: 2025-02-06. Review status: criteria provided, single submitter. Criteria: Invitae Variant Classification Sherloc (09022015). Collection method: clinical testing. Allele origin: germline.

Ambry Genetics
Classification: Likely benign for Hereditary cancer-predisposing syndrome. Last evaluated: 2020-08-25. Review status: criteria provided, single submitter. Criteria: Ambry Variant Classification Scheme 2023. Collection method: clinical testing. Allele origin: germline.

NM_000368.5(TSC1):c.1881G>A (p.Leu627=)

Gene: TSC1 (TSC complex subunit 1; minus strand). Cytogenetic location: 9q34.13.
Variant type: single nucleotide variant.
Coding change: c.1881G>A on transcript NM_000368.5 (MANE Select); coding-DNA position 1881, G replaced by A.
Protein change: p.Leu627=; no amino-acid change (leucine 627 retained).
Molecular consequence: synonymous variant.
Genome position (GRCh38, 1-based): chr9:132,905,697, C>T on the plus strand (G>A on the coding strand, the complement: TSC1 is on the minus strand). VCF-style: chr9-132905697-C-T. GRCh37 (hg19) VCF-style: chr9-135781084-C-T.
Other names: c.1728G>A, p.Leu576= (NM_001162427.2); c.1518G>A, p.Leu506= (NM_001362177.2); c.1878G>A, p.Leu626= (NM_001162426.2).
Identifiers: ClinVar variation 1155908 (VCV001155908.13), dbSNP rs766204646, ClinGen allele CA030033.